The following is an entry in ClinVar:

ClinVar aggregate classification (germline): Pathogenic (1 of 4 stars; one submission).

Conditions:
Medium-chain acyl-coenzyme A dehydrogenase deficiency (ACADMD). Also called: CARNITINE DEFICIENCY SECONDARY TO MEDIUM-CHAIN ACYL-CoA DEHYDROGENASE DEFICIENCY; MCADD; Medium chain acyl-CoA dehydrogenase deficiency; MCAD Deficiency; MCADH DEFICIENCY; ACADM DEFICIENCY. Identifiers: Orphanet 42, MedGen C0220710, MONDO:0008721, OMIM 201450.

Submission:

Labcorp Genetics (formerly Invitae), Labcorp
Classification: Pathogenic for Medium-chain acyl-coenzyme A dehydrogenase deficiency. Last evaluated: 2023-12-14. Review status: criteria provided, single submitter. Criteria: Invitae Variant Classification Sherloc (09022015). Collection method: clinical testing. Allele origin: germline.
Comment: This sequence change replaces valine, which is neutral and non-polar, with methionine, which is neutral and non-polar, at codon 373 of the ACADM protein (p.Val373Met). This variant is not present in population databases (gnomAD no frequency). This missense change has been observed in individual(s) with medium-chain acyl-coenzyme A dehydrogenase (MCAD) deficiency (Invitae). In at least one individual the data is consistent with being in trans (on the opposite chromosome) from a pathogenic variant. Advanced modeling of protein sequence and biophysical properties (such as structural, functional, and spatial information, amino acid conservation, physicochemical variation, residue mobility, and thermodynamic stability) has been performed at Invitae for this missense variant, however the output from this modeling did not meet the statistical confidence thresholds required to predict the impact of this variant on ACADM protein function. This variant disrupts the p.Val373 amino acid residue in ACADM. Other variant(s) that disrupt this residue have been determined to be pathogenic (PMID: 23151387). This suggests that this residue is clinically significant, and that variants that disrupt this residue are likely to be disease-causing. For these reasons, this variant has been classified as Pathogenic.

Literature cited by the submitters: PubMed 23151387.

NM_000016.6(ACADM):c.1117G>A (p.Val373Met)

Gene: ACADM (acyl-CoA dehydrogenase medium chain; plus strand). Cytogenetic location: 1p31.1.
Variant type: single nucleotide variant.
Coding change: c.1117G>A on transcript NM_000016.6 (MANE Select); coding-DNA position 1117, G replaced by A.
Protein change: p.Val373Met; replaces valine 373 with methionine.
Molecular consequence: missense variant.
Genome position (GRCh38, 1-based): chr1:75,761,293, G>A. VCF-style: chr1-75761293-G-A. GRCh37 (hg19) VCF-style: chr1-76226978-G-A.
Other names: c.1129G>A, p.Val377Met (NM_001127328.3); c.1009G>A, p.Val337Met (NM_001286042.2); c.1216G>A, p.Val406Met (NM_001286043.2); c.550G>A, p.Val184Met (NM_001286044.2); short protein forms V377M, V184M, V337M, V373M, V406M.
Identifiers: ClinVar variation 2823139 (VCV002823139.3), dbSNP rs2525699415, ClinGen allele CA340818204.